The following is an entry in ClinVar:

NM_001297.5(CNGB1):c.1196G>A (p.Ser399Asn)

Gene: CNGB1 (cyclic nucleotide gated channel subunit beta 1; minus strand). Cytogenetic location: 16q21.
Variant type: single nucleotide variant.
Coding change: c.1196G>A on transcript NM_001297.5 (MANE Select); coding-DNA position 1196, G replaced by A.
Protein change: p.Ser399Asn; replaces serine 399 with asparagine.
Molecular consequence: missense variant.
Genome position (GRCh38, 1-based): chr16:57,940,247, C>T on the plus strand (G>A on the coding strand, the complement: CNGB1 is on the minus strand). VCF-style: chr16-57940247-C-T. GRCh37 (hg19) VCF-style: chr16-57974151-C-T.
Other names: c.1178G>A, p.Ser393Asn (NM_001286130.2); short protein forms S393N, S399N.
Identifiers: ClinVar variation 1050937 (VCV001050937.8), dbSNP rs1352093340, ClinGen allele CA396073468.

ClinVar aggregate classification (germline): Uncertain significance (1 of 4 stars; one submission).

Allele frequency attached by ClinVar (database versions not stated): gnomAD exomes below 0.00001 and 0.00001; gnomAD 0.00001; TOPMed 0.00001.
gnomAD v4.1: 3 of 1,569,602 alleles (0.00019%); highest among the groups gnomAD compares: Admixed American, 0.0057%; no homozygotes.

Submission:

Labcorp Genetics (formerly Invitae), Labcorp
Classification: Uncertain significance. Last evaluated: 2022-07-12. Review status: criteria provided, single submitter. Criteria: Invitae Variant Classification Sherloc (09022015). Collection method: clinical testing. Allele origin: germline.
Comment: This sequence change replaces serine, which is neutral and polar, with asparagine, which is neutral and polar, at codon 399 of the CNGB1 protein (p.Ser399Asn). The frequency data for this variant in the population databases is considered unreliable, as metrics indicate poor data quality at this position in the gnomAD database. This variant has not been reported in the literature in individuals affected with CNGB1-related conditions. ClinVar contains an entry for this variant (Variation ID: 1050937). Advanced modeling of protein sequence and biophysical properties (such as structural, functional, and spatial information, amino acid conservation, physicochemical variation, residue mobility, and thermodynamic stability) performed at Invitae indicates that this missense variant is not expected to disrupt CNGB1 protein function. In summary, the available evidence is currently insufficient to determine the role of this variant in disease. Therefore, it has been classified as a Variant of Uncertain Significance.